The following is an entry in ClinVar:

NM_177438.3(DICER1):c.685A>G (p.Ile229Val)

Gene: DICER1 (dicer 1, ribonuclease III; minus strand). Cytogenetic location: 14q32.13.
Variant type: single nucleotide variant.
Coding change: c.685A>G on transcript NM_177438.3 (MANE Select); coding-DNA position 685, A replaced by G.
Protein change: p.Ile229Val; replaces isoleucine 229 with valine.
Molecular consequence: missense variant.
Genome position (GRCh38, 1-based): chr14:95,129,521, T>C on the plus strand (A>G on the coding strand, the complement: DICER1 is on the minus strand). VCF-style: chr14-95129521-T-C. GRCh37 (hg19) VCF-style: chr14-95595858-T-C.
Other names: c.685A>G (NM_177438.2); c.685A>G, p.Ile229Val (NM_001195573.1, NM_001271282.3, NM_001291628.2 and 1 more transcripts); short protein forms I229V.
Identifiers: ClinVar variation 1053918 (VCV001053918.11), dbSNP rs553116282, ClinGen allele CA390888063.

ClinVar aggregate classification (germline): Conflicting classifications of pathogenicity. Review status: criteria provided, conflicting classifications (1 of 4 stars). 2 submissions from 2 submitters: Uncertain significance (1); Likely benign (1). Last evaluated 2024-07-15.

Conditions:
Hereditary cancer-predisposing syndrome. Also called: Hereditary Cancer Syndrome; Tumor predisposition; Hereditary neoplastic syndrome; Neoplastic Syndromes, Hereditary. Identifiers: Orphanet 140162, MedGen C0027672, MeSH D009386, MONDO:0015356.
DICER1-related tumor predisposition. Also called: DICER1-related pleuropulmonary blastoma cancer predisposition syndrome; DICER1 syndrome. Identifiers: Orphanet 284343, MedGen C3839822, MONDO:0100216.

Allele frequency attached by ClinVar (database versions not stated): gnomAD exomes below 0.00001.
gnomAD v4.1: 2 of 1,613,952 alleles (0.00012%); highest among the groups gnomAD compares: Non-Finnish European, 0.00017%; no homozygotes.

Submissions (2):

Labcorp Genetics (formerly Invitae), Labcorp
Classification: Uncertain significance for DICER1-related tumor predisposition. Last evaluated: 2024-07-15. Review status: criteria provided, single submitter. Criteria: Invitae Variant Classification Sherloc (09022015). Collection method: clinical testing. Allele origin: germline.
Comment: This sequence change replaces isoleucine, which is neutral and non-polar, with valine, which is neutral and non-polar, at codon 229 of the DICER1 protein (p.Ile229Val). This variant is not present in population databases (gnomAD no frequency). This variant has not been reported in the literature in individuals affected with DICER1-related conditions. ClinVar contains an entry for this variant (Variation ID: 1053918). Advanced modeling of protein sequence and biophysical properties (such as structural, functional, and spatial information, amino acid conservation, physicochemical variation, residue mobility, and thermodynamic stability) performed at Invitae indicates that this missense variant is not expected to disrupt DICER1 protein function with a negative predictive value of 80%. In summary, the available evidence is currently insufficient to determine the role of this variant in disease. Therefore, it has been classified as a Variant of Uncertain Significance.

Ambry Genetics
Classification: Likely benign for Hereditary cancer-predisposing syndrome. Last evaluated: 2024-02-26. Review status: criteria provided, single submitter. Criteria: Ambry Variant Classification Scheme 2023. Collection method: clinical testing. Allele origin: germline.